The following is an entry in ClinVar:

NM_002941.4(ROBO1):c.779-8A>G

Gene: ROBO1 (roundabout guidance receptor 1; minus strand). Cytogenetic location: 3p12.3.
Variant type: single nucleotide variant.
Coding change: c.779-8A>G on transcript NM_002941.4 (MANE Select); 8 bases into the intron before coding-DNA position 779, A replaced by G.
Molecular consequence: intron variant.
Genome position (GRCh38, 1-based): chr3:78,717,421, T>C on the plus strand (A>G on the coding strand, the complement: ROBO1 is on the minus strand). VCF-style: chr3-78717421-T-C. GRCh37 (hg19) VCF-style: chr3-78766571-T-C.
Other names: c.662-8A>G (NM_001145845.2, NM_133631.4).
Identifiers: ClinVar variation 3046992 (VCV003046992.2), dbSNP rs1296701027, ClinGen allele CA544502334.

ClinVar aggregate classification (germline): Likely benign (0 of 4 stars; one submission).

Conditions:
ROBO1-related disorder. Also called: ROBO1-related condition.

Allele frequency attached by ClinVar (database versions not stated): gnomAD 0.00001; TOPMed 0.00001.
gnomAD v4.1: 4 of 1,612,662 alleles (0.00025%); highest among the groups gnomAD compares: East Asian, 0.0022%; no homozygotes.

Submission:

PreventionGenetics, part of Exact Sciences
Classification: Likely benign for ROBO1-related condition. Last evaluated: 2019-02-27. Review status: no assertion criteria provided. Collection method: clinical testing. Allele origin: germline.
Comment: This variant is classified as likely benign based on ACMG/AMP sequence variant interpretation guidelines (Richards et al. 2015 PMID: 25741868, with internal and published modifications).